The following is an entry in ClinVar:

NM_031310.3(PLVAP):c.76C>A (p.Arg26Ser)

Gene: PLVAP (plasmalemma vesicle associated protein; minus strand). Cytogenetic location: 19p13.11.
Variant type: single nucleotide variant.
Coding change: c.76C>A on transcript NM_031310.3 (MANE Select); coding-DNA position 76, C replaced by A.
Protein change: p.Arg26Ser; replaces arginine 26 with serine.
Molecular consequence: missense variant.
Genome position (GRCh38, 1-based): chr19:17,377,213, G>T on the plus strand (C>A on the coding strand, the complement: PLVAP is on the minus strand). VCF-style: chr19-17377213-G-T. GRCh37 (hg19) VCF-style: chr19-17488022-G-T.
Other names: short protein forms R26S.
Identifiers: ClinVar variation 2078438 (VCV002078438.1), dbSNP rs761581948, ClinGen allele CA9294147.

ClinVar aggregate classification (germline): Uncertain significance (1 of 4 stars; one submission).

Submission:

Labcorp Genetics (formerly Invitae), Labcorp
Classification: Uncertain significance. Last evaluated: 2022-08-19. Review status: criteria provided, single submitter. Criteria: Invitae Variant Classification Sherloc (09022015). Collection method: clinical testing. Allele origin: germline.
Comment: This sequence change replaces arginine, which is basic and polar, with serine, which is neutral and polar, at codon 26 of the PLVAP protein (p.Arg26Ser). This variant is present in population databases (rs761581948, gnomAD 0.002%). This variant has not been reported in the literature in individuals affected with PLVAP-related conditions. Algorithms developed to predict the effect of missense changes on protein structure and function (SIFT, PolyPhen-2, Align-GVGD) all suggest that this variant is likely to be disruptive. In summary, the available evidence is currently insufficient to determine the role of this variant in disease. Therefore, it has been classified as a Variant of Uncertain Significance.